The following is an entry in ClinVar:

ClinVar aggregate classification (germline): Uncertain significance. Review status: criteria provided, single submitter (1 of 4 stars). 2 submissions from 2 submitters: Uncertain significance (1). 1 of the submissions does not count toward it. Last evaluated 2025-05-21.

Conditions:
Premature menopause. Identifiers: MedGen C0025322, MONDO:0001119.
Sensorineural hearing loss disorder. Also called: Sensorineural hearing impairment; Sensorineural Deafness; Sensorineural hearing loss. Identifiers: MedGen C0018784, MeSH D006319, MONDO:0020678, HP:0000407.
Peripheral neuropathy. Also called: Neuropathy. Identifiers: MedGen C0031117, MONDO:0005244, HP:0009830.
Cerebellar ataxia. Identifiers: Orphanet 102002, MedGen C0007758, MONDO:0000437.
Paroxysmal dystonia. Identifiers: Orphanet 200037, MedGen C0393588, MONDO:0016058, HP:0002268.
Cognitive impairment. Also called: cognitive deficit. Identifiers: MedGen C0338656, HP:0100543.

Submissions (2):

Women's Health and Genetics/Laboratory Corporation of America, LabCorp
Classification: Uncertain significance. Last evaluated: 2025-05-21. Review status: criteria provided, single submitter. Criteria: LabCorp Variant Classification Summary - May 2015. Collection method: clinical testing. Allele origin: germline.
Comment: Variant summary: PEX6 c.371T>C (p.Leu124Pro) results in a non-conservative amino acid change in the encoded protein sequence. Algorithms developed to predict the effect of missense changes on protein structure and function all suggest that this variant is likely to be disruptive. The variant was absent in 130112 control chromosomes. The available data on variant occurrences in the general population are insufficient to allow any conclusion about variant significance. c.371T>C has been observed in at least one compound heterozygous individual affected with Zellweger Syndrome (e.g. Tucker_2020). These data do not allow any conclusion about variant significance. To our knowledge, no experimental evidence demonstrating an impact on protein function has been reported. The following publication have been ascertained in the context of this evaluation (PMID: 32399598). ClinVar contains an entry for this variant (Variation ID: 869197). Based on the evidence outlined above, the variant was classified as uncertain significance.

Reproductive Development, Murdoch Childrens Research Institute
Classification: Pathogenic for Premature ovarian insufficiency; Sensorineural hearing loss disorder; Ataxia; Peripheral neuropathy; Paroxysmal dystonia; Cognitive impairment. Last evaluated: 2019-10-21. Review status: no assertion criteria provided. Criteria: ACMG Guidelines, 2015. Collection method: research. Allele origin: maternal. Affected: yes. Not counted in ClinVar's aggregate classification.

Literature cited by the submitters: PubMed 32399598 (cited by Women's Health and Genetics/Laboratory Corporation of America, LabCorp).

NM_000287.4(PEX6):c.371T>C (p.Leu124Pro)

Gene: PEX6 (peroxisomal biogenesis factor 6; minus strand). Cytogenetic location: 6p21.1.
Variant type: single nucleotide variant.
Coding change: c.371T>C on transcript NM_000287.4 (MANE Select); coding-DNA position 371, T replaced by C.
Protein change: p.Leu124Pro; replaces leucine 124 with proline.
Molecular consequence: missense variant. On other transcripts: non-coding transcript variant (1).
Genome position (GRCh38, 1-based): chr6:42,978,780, A>G on the plus strand (T>C on the coding strand, the complement: PEX6 is on the minus strand). VCF-style: chr6-42978780-A-G. GRCh37 (hg19) VCF-style: chr6-42946518-A-G.
Other names: c.371T>C, p.Leu124Pro (NM_001316313.2); short protein forms L124P.
Identifiers: ClinVar variation 869197 (VCV000869197.2), dbSNP rs1770427781, ClinGen allele CA364166833.